The following is an entry in ClinVar:

NM_001286577.2(C2CD3):c.4001-2del

Gene: C2CD3 (C2 domain containing 3 centriole elongation regulator; minus strand). Cytogenetic location: 11q13.4.
Variant type: Deletion.
Coding change: c.4001-2del on transcript NM_001286577.2 (MANE Select); the canonical splice acceptor site of the intron before coding-DNA position 4001, one base deleted (A; older notation c.4001-2delA).
Molecular consequence: splice acceptor variant.
Genome position (GRCh38, 1-based): chr11:74,078,719, T deleted on the plus strand (A on the coding strand, the reverse complement: C2CD3 is on the minus strand); the first of 2 consecutive T bases (chr11:74,078,719-74,078,720); deleting either gives the same sequence. VCF-style (leftmost placement, unchanged base first): chr11-74078718-CT-C. GRCh37 (hg19) VCF-style: chr11-73789763-CT-C.
Other names: c.4001-2del (NM_015531.6).
Identifiers: ClinVar variation 1424072 (VCV001424072.6), dbSNP rs2135466135, ClinGen allele CA2573147693.

ClinVar aggregate classification (germline): Uncertain significance (1 of 4 stars; one submission).

Submission:

Labcorp Genetics (formerly Invitae), Labcorp
Classification: Uncertain significance. Last evaluated: 2021-11-02. Review status: criteria provided, single submitter. Criteria: Invitae Variant Classification Sherloc (09022015). Collection method: clinical testing. Allele origin: germline.
Comment: In summary, the available evidence is currently insufficient to determine the role of this variant in disease. Therefore, it has been classified as a Variant of Uncertain Significance. Variants that disrupt the consensus splice site are a relatively common cause of aberrant splicing (PMID: 17576681, 9536098). This variant has not been reported in the literature in individuals affected with C2CD3-related conditions. This variant is not present in population databases (gnomAD no frequency). This sequence change falls in intron 22 of the C2CD3 gene. It does not directly change the encoded amino acid sequence of the C2CD3 protein. It affects a nucleotide within the consensus splice site.

Literature cited by the submitters: PubMed 17576681; PubMed 9536098.